The following is an entry in ClinVar:

ClinVar aggregate classification (germline): Uncertain significance (1 of 4 stars; one submission).

Conditions:
Pituitary adenoma 5, multiple types. Identifiers: MedGen C4539685, MONDO:0054601, OMIM 617540.

Submission:

MVZ Medizinische Genetik Mainz
Classification: Uncertain significance for Pituitary adenoma 5, multiple types. Last evaluated: 2025-04-29. Review status: criteria provided, single submitter. Criteria: UK Practice Guidelines For Variant Classification V4 01 2020. Collection method: clinical testing. Allele origin: germline. Inheritance: Autosomal dominant inheritance. Affected: yes. Observed: 1 variant allele.
Comment: ACMG Criteria: PM2_SUP_MOD,PM4

NM_022124.6(CDH23):c.3339_3350del (p.Asp1114_Glu1117del)

Genes: C10orf105 (chromosome 10 open reading frame 105; minus strand), CDH23 (cadherin related 23; plus strand). Cytogenetic location: 10q22.1.
Variant type: Deletion.
Coding change: c.3339_3350del on transcript NM_022124.6 (MANE Select); coding-DNA positions 3339 to 3350, 12 bases deleted (GGACATCCCTGA).
Protein change: p.Asp1114_Glu1117del.
Molecular consequence: inframe deletion. On other transcripts: 3 prime UTR variant (2).
Genome position (GRCh38, 1-based): chr10:71,712,783-71,712,794, GGACATCCCTGA deleted; deleting any 12 consecutive bases within chr10:71,712,776-71,712,794 gives the same sequence; the c. name uses the placement nearest the transcript's 3' end. VCF-style (leftmost placement, unchanged base first): chr10-71712775-GTCCCTGAGGACA-G. GRCh37 (hg19) VCF-style: chr10-73472532-GTCCCTGAGGACA-G.
Other names: c.*3149_*3160del (NM_001164375.3, NM_001168390.2); c.3339_3350del, p.Asp1114_Glu1117del (NM_001171930.2).
Identifiers: ClinVar variation 3900731 (VCV003900731.1).